The following is an entry in ClinVar:

NM_025243.4(SLC19A3):c.448G>C (p.Ala150Pro)

Gene: SLC19A3 (solute carrier family 19 member 3; minus strand). Cytogenetic location: 2q36.3.
Variant type: single nucleotide variant.
Coding change: c.448G>C on transcript NM_025243.4 (MANE Select); coding-DNA position 448, G replaced by C.
Protein change: p.Ala150Pro; replaces alanine 150 with proline.
Molecular consequence: missense variant.
Genome position (GRCh38, 1-based): chr2:227,699,267, C>G on the plus strand (G>C on the coding strand, the complement: SLC19A3 is on the minus strand). VCF-style: chr2-227699267-C-G. GRCh37 (hg19) VCF-style: chr2-228563983-C-G.
Other names: c.448G>C, p.Ala150Pro (NM_001371411.1, NM_001371412.1); c.436G>C, p.Ala146Pro (NM_001371413.1, NM_001371414.1); short protein forms A146P, A150P.
Identifiers: ClinVar variation 3769177 (VCV003769177.2).
Genomic context (GRCh38, chr2:227,699,267, plus strand): 5'-AGTACGACATGTTCGCCAGGGATACCAAGAGTTGAGCCAGCACCGACCCTGCTGTGTAGG[C>G]GGCCAGCGTGACGCTCCTGCAGTAGCCGCTCACTCTCTGGTAGTGCTCGGGGCTGACCAC-3'
Protein context (NP_079519.1, residues 140-160): SGYCRSVTLA[Ala150Pro]YTAGSVLAQL

ClinVar aggregate classification (germline): Uncertain significance (1 of 4 stars; one submission).

gnomAD v4.1: 4 of 1,614,048 alleles (0.00025%); highest among the groups gnomAD compares: Non-Finnish European, 0.00034%; no homozygotes.

Submission:

Women's Health and Genetics/Laboratory Corporation of America, LabCorp
Classification: Uncertain significance. Last evaluated: 2025-01-29. Review status: criteria provided, single submitter. Criteria: LabCorp Variant Classification Summary - May 2015. Collection method: clinical testing. Allele origin: germline.
Comment: Variant summary: SLC19A3 c.448G>C (p.Ala150Pro) results in a non-conservative amino acid change located in the MFS general substrate transporter domain (IPR036259) of the encoded protein sequence. Five of five in-silico tools predict a damaging effect of the variant on protein function. The variant was absent in 251236 control chromosomes. The available data on variant occurrences in the general population are insufficient to allow any conclusion about variant significance. To our knowledge, no occurrence of c.448G>C in individuals affected with Basal ganglia disease, biotin-thiamine-responsive and no experimental evidence demonstrating its impact on protein function have been reported. No submitters have cited clinical-significance assessments for this variant to ClinVar. Based on the evidence outlined above, the variant was classified as uncertain significance.